The following is an entry in ClinVar:

ClinVar aggregate classification (germline): Uncertain significance (0 of 4 stars; one submission).

Conditions:
LRRC45-related disorder. Also called: LRRC45-related condition.

Submission:

PreventionGenetics, part of Exact Sciences
Classification: Uncertain significance for LRRC45-related condition. Last evaluated: 2024-08-31. Review status: no assertion criteria provided. Collection method: clinical testing. Allele origin: germline.
Comment: The LRRC45 c.1276delC variant is predicted to result in a frameshift and premature protein termination (p.Leu426Trpfs*15). To our knowledge, this variant has not been reported in the literature or in a large population database, indicating this variant is rare. At this time, the clinical significance of this variant is uncertain due to the absence of conclusive functional and genetic evidence.

NM_144999.4(LRRC45):c.1276del (p.Leu426fs)

Gene: LRRC45 (leucine rich repeat containing 45; plus strand). Cytogenetic location: 17q25.3.
Variant type: Deletion.
Coding change: c.1276del on transcript NM_144999.4 (MANE Select); coding-DNA position 1276, one base deleted (C; older notation c.1276delC).
Protein change: p.Leu426fs; shifts the reading frame from leucine 426.
Molecular consequence: frameshift variant.
Genome position (GRCh38, 1-based): chr17:82,028,651, C deleted; the last of 2 consecutive C bases (chr17:82,028,650-82,028,651); deleting either gives the same sequence. VCF-style (leftmost placement, unchanged base first): chr17-82028649-GC-G. GRCh37 (hg19) VCF-style: chr17-79986525-GC-G.
Other names: short protein forms L426fs.
Identifiers: ClinVar variation 3347924 (VCV003347924.1).